The following is an entry in ClinVar:

NM_000215.4(JAK3):c.94G>A (p.Ala32Thr)

Gene: JAK3 (Janus kinase 3; minus strand). Cytogenetic location: 19p13.11.
Variant type: single nucleotide variant.
Coding change: c.94G>A on transcript NM_000215.4 (MANE Select); coding-DNA position 94, G replaced by A.
Protein change: p.Ala32Thr; replaces alanine 32 with threonine.
Molecular consequence: missense variant.
Genome position (GRCh38, 1-based): chr19:17,844,324, C>T on the plus strand (G>A on the coding strand, the complement: JAK3 is on the minus strand). VCF-style: chr19-17844324-C-T. GRCh37 (hg19) VCF-style: chr19-17955133-C-T.
Other names: short protein forms A32T.
Identifiers: ClinVar variation 134576 (VCV000134576.1), dbSNP rs587778416, ClinGen allele CA160234.
Genomic context (GRCh38, chr19:17,844,324, plus strand): 5'-CCTCAGCCAAGTGGTCCCCAAAGGAGAAAGATAGGCGCTGGGGGGGCCCGGGGCCCCGAG[C>T]GGGCAGCAGCACATGCAGGGCACCAGCCTCCGTGGACAAGAGGCTGCATGAACGCTGAGG-3'
Protein context (NP_000206.2, residues 22-42): EAGALHVLLP[Ala32Thr]RGPGPPQRLS

ClinVar aggregate classification (germline): not provided (0 of 4 stars; one submission).

Allele frequency attached by ClinVar (database versions not stated): gnomAD exomes below 0.00001 and 0.00003; gnomAD 0.00001; TOPMed 0.00002.

Submission:

ITMI
No classification provided. Condition: AllHighlyPenetrant. Last evaluated: 2013-09-19. Review status: no classification provided. Collection method: reference population. Allele origin: germline.
Comment: Please see associated publication for description of ethnicities

Literature cited by the submitters: PubMed 24728327.